The following is an entry in ClinVar:

ClinVar aggregate classification (germline): Pathogenic (1 of 4 stars; one submission).

Allele frequency attached by ClinVar (database versions not stated): gnomAD exomes below 0.00001.
gnomAD v4.1: 1 of 1,596,594 alleles (0.000063%); highest among the groups gnomAD compares: East Asian, 0.0022%; no homozygotes.

Submission:

Labcorp Genetics (formerly Invitae), Labcorp
Classification: Pathogenic. Last evaluated: 2023-02-18. Review status: criteria provided, single submitter. Criteria: Invitae Variant Classification Sherloc (09022015). Collection method: clinical testing. Allele origin: germline.
Comment: This sequence change creates a premature translational stop signal (p.Glu176*) in the C5 gene. It is expected to result in an absent or disrupted protein product. Loss-of-function variants in C5 are known to be pathogenic (PMID: 7730648, 19414197, 27026170). This variant is not present in population databases (gnomAD no frequency). This variant has not been reported in the literature in individuals affected with C5-related conditions. For these reasons, this variant has been classified as Pathogenic.

Literature cited by the submitters: PubMed 7730648; PubMed 19414197; PubMed 27026170.

NM_001735.3(C5):c.526G>T (p.Glu176Ter)

Gene: C5 (complement C5; minus strand). Cytogenetic location: 9q33.2.
Variant type: single nucleotide variant.
Coding change: c.526G>T on transcript NM_001735.3 (MANE Select); coding-DNA position 526, G replaced by T.
Protein change: p.Glu176Ter; replaces glutamic acid 176 with a stop codon.
Molecular consequence: nonsense.
Genome position (GRCh38, 1-based): chr9:121,034,861, C>A on the plus strand (G>T on the coding strand, the complement: C5 is on the minus strand). VCF-style: chr9-121034861-C-A. GRCh37 (hg19) VCF-style: chr9-123797139-C-A.
Other names: c.544G>T, p.Glu182Ter (NM_001317163.2); c.526G>T, p.Glu176Ter (NM_001317164.2); short protein forms E182*, E176*.
Identifiers: ClinVar variation 2987179 (VCV002987179.3), dbSNP rs1459526637, ClinGen allele CA374759019.